The following is an entry in ClinVar:

ClinVar aggregate classification (germline): Uncertain significance (1 of 4 stars; one submission).

gnomAD v4.1: 1 of 1,206,765 alleles (0.000083%); highest among the groups gnomAD compares: African/African-American, 0.0017%; no homozygotes.

Submission:

GeneDx
Classification: Uncertain significance. Last evaluated: 2023-06-22. Review status: criteria provided, single submitter. Criteria: GeneDx Variant Classification Process June 2021. Collection method: clinical testing. Allele origin: germline. Affected: yes.
Comment: Not observed at significant frequency in large population cohorts (gnomAD); In silico analysis supports that this missense variant has a deleterious effect on protein structure/function; Has not been previously published as pathogenic or benign to our knowledge

NM_021120.4(DLG3):c.1856T>C (p.Val619Ala)

Gene: DLG3 (discs large MAGUK scaffold protein 3; plus strand). Cytogenetic location: Xq13.1.
Variant type: single nucleotide variant.
Coding change: c.1856T>C on transcript NM_021120.4 (MANE Select); coding-DNA position 1856, T replaced by C.
Protein change: p.Val619Ala; replaces valine 619 with alanine.
Molecular consequence: missense variant.
Genome position (GRCh38, 1-based): chrX:70,498,556, T>C. VCF-style: chrX-70498556-T-C. GRCh37 (hg19) VCF-style: chrX-69718406-T-C.
Other names: c.503T>C, p.Val168Ala (NM_001166278.2); c.941T>C, p.Val314Ala (NM_020730.3); short protein forms V168A, V314A, V619A.
Identifiers: ClinVar variation 3360268 (VCV003360268.1).